The following is an entry in ClinVar:

NM_013275.6(ANKRD11):c.6773del (p.Ala2258fs)

Gene: ANKRD11 (ankyrin repeat domain 11; minus strand). Cytogenetic location: 16q24.3.
Variant type: Deletion.
Coding change: c.6773del on transcript NM_013275.6 (MANE Select); coding-DNA position 6773, one base deleted (C; older notation c.6773delC).
Protein change: p.Ala2258fs; shifts the reading frame from alanine 2258.
Molecular consequence: frameshift variant.
Genome position (GRCh38, 1-based): chr16:89,279,769, G deleted on the plus strand (C on the coding strand, the reverse complement: ANKRD11 is on the minus strand). VCF-style (leftmost placement, unchanged base first): chr16-89279768-AG-A. GRCh37 (hg19) VCF-style: chr16-89346176-AG-A.
Other names: p.Ala2258Valfs*79; c.6773del, p.Ala2258fs (NM_001256182.2, NM_001256183.2); short protein forms A2258fs.
Identifiers: ClinVar variation 4880037 (VCV004880037.1).

ClinVar aggregate classification (germline): Likely pathogenic (1 of 4 stars; one submission).

Conditions:
KBG syndrome (KBGS). Also called: ANKRD11-Related KBG Syndrome. Identifiers: Orphanet 2332, MedGen C0220687, MONDO:0007846, OMIM 148050.

Submission:

Department of Molecular Genetics, Istishari Arab Hospital
Classification: Likely pathogenic for KBG syndrome. Last evaluated: 2026-07-21. Review status: criteria provided, single submitter. Criteria: ACMG Guidelines, 2015. Collection method: clinical testing. Allele origin: germline. Inheritance: Autosomal dominant inheritance. Affected: yes.
Comment: The ANKRD11 variant c.6773del, p.Ala2258Valfs*79 creates a shift in the reading frame at position 2258, which results in termination of protein function 79 codons downstream. This variant was absent from the gnomAD v4.1 dataset and, to the best of our knowledge, was not previously reported in the literature. It is classified as likely pathogenic based on the implementation of the ACMG/AMP/ClinGen SVI guidelines.